The following is an entry in ClinVar:

ClinVar aggregate classification (germline): not provided (0 of 4 stars; one submission).

Submission:

Human Evolutionary Genetics, Institut Pasteur
No classification provided. Review status: no classification provided. Collection method: not provided. Allele origin: germline.
ClinVar note: Converted during submission from untested to not provided.

NM_001276700.2(NLRP6):c.2051AGA[4] (p.Lys688del)

Gene: NLRP6 (NLR family pyrin domain containing 6; plus strand). Cytogenetic location: 11p15.5.
Variant type: Microsatellite.
Coding change: c.2051AGA[4] on transcript NM_001276700.2 (MANE Select); four copies in a row of the 3-base unit AGA starting at c.2051; the reference has five copies in a row; one copy, 3 bases deleted.
Protein change: p.Lys688del; deletes lysine 688.
Molecular consequence: inframe deletion.
Genome position (GRCh38, 1-based): chr11:281,797-281,799, AGA deleted; deleting any 3 consecutive bases within chr11:281,785-281,799 gives the same sequence; the position shown is the placement nearest the transcript's 3' end. VCF-style (leftmost placement, unchanged base first): chr11-281784-GAGA-G. GRCh37 (hg19) VCF-style: chr11-281784-GAGA-G.
Other names: c.2051AGA[4], p.Lys688del (NM_138329.2); short protein forms K688del.
Identifiers: ClinVar variation 103234 (VCV000103234.2), dbSNP rs199476226, ClinGen allele CA230296.